The following is an entry in ClinVar:

ClinVar aggregate classification (germline): Uncertain significance (1 of 4 stars; one submission).

Conditions:
Familial cold autoinflammatory syndrome 3 (FCAS3). Also called: FAMILIAL ATYPICAL COLD URTICARIA; ANTIBODY DEFICIENCY AND IMMUNE DYSREGULATION, PLCG2-ASSOCIATED. Identifiers: Orphanet 300359, MedGen C3280914, MONDO:0013766, OMIM 614468.

Allele frequency attached by ClinVar (database versions not stated): gnomAD exomes below 0.00001; TOPMed 0.00001.
gnomAD v4.1: 1 of 1,613,576 alleles (0.000062%); highest among the groups gnomAD compares: African/African-American, 0.0013%; no homozygotes.

Submission:

Labcorp Genetics (formerly Invitae), Labcorp
Classification: Uncertain significance for Familial cold autoinflammatory syndrome 3. Last evaluated: 2022-10-14. Review status: criteria provided, single submitter. Criteria: Invitae Variant Classification Sherloc (09022015). Collection method: clinical testing. Allele origin: germline.
Comment: In summary, the available evidence is currently insufficient to determine the role of this variant in disease. Therefore, it has been classified as a Variant of Uncertain Significance. Algorithms developed to predict the effect of missense changes on protein structure and function are either unavailable or do not agree on the potential impact of this missense change (SIFT: "Tolerated"; PolyPhen-2: "Possibly Damaging"; Align-GVGD: "Class C0"). This variant has not been reported in the literature in individuals affected with PLCG2-related conditions. This variant is present in population databases (no rsID available, gnomAD 0.01%). This sequence change replaces serine, which is neutral and polar, with threonine, which is neutral and polar, at codon 828 of the PLCG2 protein (p.Ser828Thr).

NM_002661.5(PLCG2):c.2482T>A (p.Ser828Thr)

Gene: PLCG2 (phospholipase C gamma 2; plus strand). Cytogenetic location: 16q23.3.
Variant type: single nucleotide variant.
Coding change: c.2482T>A on transcript NM_002661.5 (MANE Select); coding-DNA position 2482, T replaced by A.
Protein change: p.Ser828Thr; replaces serine 828 with threonine.
Molecular consequence: missense variant.
Genome position (GRCh38, 1-based): chr16:81,927,146, T>A. VCF-style: chr16-81927146-T-A. GRCh37 (hg19) VCF-style: chr16-81960751-T-A.
Other names: short protein forms S828T.
Identifiers: ClinVar variation 1961878 (VCV001961878.5), dbSNP rs1417603822, ClinGen allele CA396902781.